The following is an entry in ClinVar:

NM_139057.4(ADAMTS17):c.79+3A>C

Gene: ADAMTS17 (ADAM metallopeptidase with thrombospondin type 1 motif 17; minus strand). Cytogenetic location: 15q26.3.
Variant type: single nucleotide variant.
Coding change: c.79+3A>C on transcript NM_139057.4 (MANE Select); 3 bases into the intron after coding-DNA position 79, A replaced by C.
Molecular consequence: intron variant.
Genome position (GRCh38, 1-based): chr15:100,341,818, T>G on the plus strand (A>C on the coding strand, the complement: ADAMTS17 is on the minus strand). VCF-style: chr15-100341818-T-G. GRCh37 (hg19) VCF-style: chr15-100882023-T-G.
Identifiers: ClinVar variation 884800 (VCV000884800.9), dbSNP rs2046376517, ClinGen allele CA1139664204.

ClinVar aggregate classification (germline): Uncertain significance. Review status: criteria provided, multiple submitters, no conflicts (2 of 4 stars). 2 submissions from 2 submitters: Uncertain significance (2). Last evaluated 2023-10-03.

Conditions:
Weill-Marchesani 4 syndrome, recessive. Also called: Weill-Marchesani syndrome 4. Identifiers: Orphanet 363992, MedGen C2750787, MONDO:0013176, OMIM 613195.

Submissions (2):

Labcorp Genetics (formerly Invitae), Labcorp
Classification: Uncertain significance. Last evaluated: 2023-10-03. Review status: criteria provided, single submitter. Criteria: Invitae Variant Classification Sherloc (09022015). Collection method: clinical testing. Allele origin: germline.
Comment: This sequence change falls in intron 1 of the ADAMTS17 gene. It does not directly change the encoded amino acid sequence of the ADAMTS17 protein. It affects a nucleotide within the consensus splice site. This variant is not present in population databases (gnomAD no frequency). This variant has not been reported in the literature in individuals affected with ADAMTS17-related conditions. ClinVar contains an entry for this variant (Variation ID: 884800). Variants that disrupt the consensus splice site are a relatively common cause of aberrant splicing (PMID: 17576681, 9536098). Algorithms developed to predict the effect of sequence changes on RNA splicing suggest that this variant may disrupt the consensus splice site. In summary, the available evidence is currently insufficient to determine the role of this variant in disease. Therefore, it has been classified as a Variant of Uncertain Significance.

Illumina Laboratory Services, Illumina
Classification: Uncertain significance for Weill-Marchesani 4 syndrome, recessive. Last evaluated: 2018-01-13. Review status: criteria provided, single submitter. Criteria: ICSL Variant Classification Criteria 13 December 2019. Collection method: clinical testing. Allele origin: germline.

Literature cited by the submitters: PubMed 17576681 (cited by Labcorp Genetics (formerly Invitae), Labcorp); PubMed 9536098 (cited by Labcorp Genetics (formerly Invitae), Labcorp).